The following is an entry in ClinVar:

ClinVar aggregate classification (germline): Uncertain significance (1 of 4 stars; one submission).

Submission:

Geisinger Autism and Developmental Medicine Institute, Geisinger Health System
Classification: Uncertain significance. Last evaluated: 2017-10-09. Review status: criteria provided, single submitter. Criteria: ACMG CNV Guidelines, 2011. Collection method: provider interpretation. Allele origin: paternal.
Comment: The region is not known to vary in copy number in the normal population. The two genes in this region that are associated with human disease (SUMF1, ITPR1) are not known to cause disease when duplicated.

Literature cited by the submitters: PubMed 12757705; PubMed 21224894.

Single allele

Genes: ARL8B (ARF like GTPase 8B; plus strand), BHLHE40 (basic helix-loop-helix family member e40; plus strand), EDEM1 (ER degradation enhancing alpha-mannosidase like protein 1; plus strand), EGOT (eosinophil granule ontogeny transcript; minus strand), ITPR1 (inositol 1,4,5-trisphosphate receptor type 1; plus strand) and 1 more. Cytogenetic location: 3p26.1.
Variant type: Duplication.
Identifiers: ClinVar variation 560068 (VCV000560068.3).